The following is an entry in ClinVar:

ClinVar aggregate classification (germline): Uncertain significance (1 of 4 stars; one submission).

Submission:

Labcorp Genetics (formerly Invitae), Labcorp
Classification: Uncertain significance. Last evaluated: 2025-04-16. Review status: criteria provided, single submitter. Criteria: Invitae Variant Classification Sherloc (09022015). Collection method: clinical testing. Allele origin: germline.
Comment: This sequence change replaces serine, which is neutral and polar, with isoleucine, which is neutral and non-polar, at codon 144 of the CNNM4 protein (p.Ser144Ile). This variant is not present in population databases (gnomAD no frequency). This variant has not been reported in the literature in individuals affected with CNNM4-related conditions. ClinVar contains an entry for this variant (Variation ID: 1398991). Invitae Evidence Modeling of protein sequence and biophysical properties (such as structural, functional, and spatial information, amino acid conservation, physicochemical variation, residue mobility, and thermodynamic stability) indicates that this missense variant is not expected to disrupt CNNM4 protein function with a negative predictive value of 80%. In summary, the available evidence is currently insufficient to determine the role of this variant in disease. Therefore, it has been classified as a Variant of Uncertain Significance.

NM_020184.4(CNNM4):c.431G>T (p.Ser144Ile)

Gene: CNNM4 (cyclin and CBS domain divalent metal cation transport mediator 4; plus strand). Cytogenetic location: 2q11.2.
Variant type: single nucleotide variant.
Coding change: c.431G>T on transcript NM_020184.4 (MANE Select); coding-DNA position 431, G replaced by T.
Protein change: p.Ser144Ile; replaces serine 144 with isoleucine.
Molecular consequence: missense variant.
Genome position (GRCh38, 1-based): chr2:96,761,430, G>T. VCF-style: chr2-96761430-G-T. GRCh37 (hg19) VCF-style: chr2-97427167-G-T.
Other names: short protein forms S144I.
Identifiers: ClinVar variation 1398991 (VCV001398991.8), dbSNP rs2153341521, ClinGen allele CA347713747.